The following is an entry in ClinVar:

NM_001375.3(DNASE2):c.961C>T (p.Arg321Trp)

Gene: DNASE2 (deoxyribonuclease 2, lysosomal; minus strand). Cytogenetic location: 19p13.13.
Variant type: single nucleotide variant.
Coding change: c.961C>T on transcript NM_001375.3 (MANE Select); coding-DNA position 961, C replaced by T.
Protein change: p.Arg321Trp; replaces arginine 321 with tryptophan.
Molecular consequence: missense variant.
Genome position (GRCh38, 1-based): chr19:12,876,112, G>A on the plus strand (C>T on the coding strand, the complement: DNASE2 is on the minus strand). VCF-style: chr19-12876112-G-A. GRCh37 (hg19) VCF-style: chr19-12986926-G-A.
Other names: c.961C>T (NM_001375.2); short protein forms R321W.
Identifiers: ClinVar variation 2158525 (VCV002158525.5), dbSNP rs1340314946, ClinGen allele CA404295510.
Genomic context (GRCh38, chr19:12,876,112, plus strand): 5'-CCAGCGGCTGGAAGGCTTTCCAGAGGGCTGGCAGCTGGGCACACAGTGTGCCCCCACCCC[G>A]TTGCTCCTCTCCCTGGTTCCGATTCATGTCACCCACGCAGGTCCAGGGCCCTTTTGGGGA-3'
Protein context (NP_001366.1, residues 311-331): DMNRNQGEEQ[Arg321Trp]GGGTLCAQLP

ClinVar aggregate classification (germline): Uncertain significance. Review status: criteria provided, multiple submitters, no conflicts (2 of 4 stars). 2 submissions from 2 submitters: Uncertain significance (2). Last evaluated 2025-03-22.

Allele frequency attached by ClinVar (database versions not stated): TOPMed 0.00002; gnomAD 0.00003.

Submissions (2):

Ambry Genetics
Classification: Uncertain significance. Last evaluated: 2025-03-22. Review status: criteria provided, single submitter. Criteria: Ambry Variant Classification Scheme 2023. Collection method: clinical testing. Allele origin: germline.

Labcorp Genetics (formerly Invitae), Labcorp
Classification: Uncertain significance. Last evaluated: 2022-04-17. Review status: criteria provided, single submitter. Criteria: Invitae Variant Classification Sherloc (09022015). Collection method: clinical testing. Allele origin: germline.
Comment: In summary, the available evidence is currently insufficient to determine the role of this variant in disease. Therefore, it has been classified as a Variant of Uncertain Significance. Algorithms developed to predict the effect of missense changes on protein structure and function (SIFT, PolyPhen-2, Align-GVGD) all suggest that this variant is likely to be disruptive. This variant has not been reported in the literature in individuals affected with DNASE2-related conditions. This variant is present in population databases (no rsID available, gnomAD 0.004%). This sequence change replaces arginine, which is basic and polar, with tryptophan, which is neutral and slightly polar, at codon 321 of the DNASE2 protein (p.Arg321Trp).